The following is an entry in ClinVar:

NM_006623.4(PHGDH):c.1209+6C>A

Gene: PHGDH (phosphoglycerate dehydrogenase; plus strand). Cytogenetic location: 1p12.
Variant type: single nucleotide variant.
Coding change: c.1209+6C>A on transcript NM_006623.4 (MANE Select); 6 bases into the intron after coding-DNA position 1209, C replaced by A.
Molecular consequence: intron variant.
Genome position (GRCh38, 1-based): chr1:119,741,903, C>A. VCF-style: chr1-119741903-C-A. GRCh37 (hg19) VCF-style: chr1-120284526-C-A.
Identifiers: ClinVar variation 1491224 (VCV001491224.3), dbSNP rs774142037, ClinGen allele CA1037394.

ClinVar aggregate classification (germline): Uncertain significance (1 of 4 stars; one submission).

Conditions:
PHGDH deficiency. Identifiers: Orphanet 79351, MedGen C1866174, MONDO:0011152, OMIM 601815.

Allele frequency attached by ClinVar (database versions not stated): ExAC 0.00001.

Submission:

Labcorp Genetics (formerly Invitae), Labcorp
Classification: Uncertain significance for PHGDH deficiency. Last evaluated: 2021-11-04. Review status: criteria provided, single submitter. Criteria: Invitae Variant Classification Sherloc (09022015). Collection method: clinical testing. Allele origin: germline.
Comment: This sequence change falls in intron 10 of the PHGDH gene. It does not directly change the encoded amino acid sequence of the PHGDH protein. It affects a nucleotide within the consensus splice site. The frequency data for this variant in the population databases is considered unreliable, as metrics indicate poor data quality at this position in the gnomAD database. This variant has not been reported in the literature in individuals affected with PHGDH-related conditions. Variants that disrupt the consensus splice site are a relatively common cause of aberrant splicing (PMID: 17576681, 9536098). Algorithms developed to predict the effect of sequence changes on RNA splicing suggest that this variant may disrupt the consensus splice site. In summary, the available evidence is currently insufficient to determine the role of this variant in disease. Therefore, it has been classified as a Variant of Uncertain Significance.

Literature cited by the submitters: PubMed 17576681; PubMed 9536098.